The following is an entry in ClinVar:

NM_024577.4(SH3TC2):c.2072_2090del (p.Ala691fs)

Gene: SH3TC2 (SH3 domain and tetratricopeptide repeats 2; minus strand). Cytogenetic location: 5q32.
Variant type: Deletion.
Coding change: c.2072_2090del on transcript NM_024577.4 (MANE Select); coding-DNA positions 2072 to 2090, 19 bases deleted (CCTCTGTCCAGCAACATGG).
Protein change: p.Ala691fs; shifts the reading frame from alanine 691.
Molecular consequence: frameshift variant.
Genome position (GRCh38, 1-based): chr5:149,027,642-149,027,660, CCATGTTGCTGGACAGAGG deleted on the plus strand (CCTCTGTCCAGCAACATGG on the coding strand, the reverse complement: SH3TC2 is on the minus strand); deleting any 19 consecutive bases within chr5:149,027,642-149,027,663 gives the same sequence; the c. name uses the placement nearest the transcript's 3' end. VCF-style (leftmost placement, unchanged base first): chr5-149027641-ACCATGTTGCTGGACAGAGG-A. GRCh37 (hg19) VCF-style: chr5-148407204-ACCATGTTGCTGGACAGAGG-A.
Other names: c.2072_2090delCCTCTGTCCAGCAACATGG (NM_024577.3); short protein forms A691fs.
Identifiers: ClinVar variation 241502 (VCV000241502.10), dbSNP rs878855092, ClinGen allele CA10582409.

ClinVar aggregate classification (germline): Pathogenic (1 of 4 stars; one submission).

Conditions:
Charcot-Marie-Tooth disease type 4. Also called: Charcot-Marie-Tooth, Type 4; Charcot-Marie-Tooth disease, type IV. Identifiers: Orphanet 64749, MedGen C4082197, MONDO:0018995.
Charcot-Marie-Tooth disease type 4C (CMT4C). Also called: CHARCOT-MARIE-TOOTH DISEASE, DEMYELINATING, TYPE 4C; Charcot-Marie-Tooth Neuropathy Type 4C (CMT4C); CHARCOT-MARIE-TOOTH DISEASE, DEMYELINATING, AUTOSOMAL RECESSIVE, TYPE 4C; CMT 4C; SH3TC2-Related Hereditary Motor and Sensory Neuropathy. Identifiers: Orphanet 99949, MedGen C1866636, MONDO:0011113, OMIM 601596.

Submission:

Labcorp Genetics (formerly Invitae), Labcorp
Classification: Pathogenic for Charcot-Marie-Tooth disease type 4. Last evaluated: 2019-07-17. Review status: criteria provided, single submitter. Criteria: Invitae Variant Classification Sherloc (09022015). Collection method: clinical testing. Allele origin: germline.
Comment: For these reasons, this variant has been classified as Pathogenic. Loss-of-function variants in SH3TC2 are known to be pathogenic (PMID: 20220177, 27068304). This variant has not been reported in the literature in individuals with SH3TC2-related conditions. ClinVar contains an entry for this variant (Variation ID: 241502). This sequence change creates a premature translational stop signal (p.Ala691Valfs*54) in the SH3TC2 gene. It is expected to result in an absent or disrupted protein product.

Literature cited by the submitters: PubMed 20220177 (cited by Labcorp Genetics (formerly Invitae), Labcorp); PubMed 27068304 (cited by Labcorp Genetics (formerly Invitae), Labcorp).